The following is an entry in ClinVar:

ClinVar aggregate classification (germline): Conflicting classifications of pathogenicity. Review status: criteria provided, conflicting classifications (1 of 4 stars). 2 submissions from 2 submitters: Uncertain significance (1); Likely benign (1). Last evaluated 2024-02-22.

Conditions:
Inborn genetic diseases. Identifiers: MedGen C0950123, MeSH D030342.
Kleefstra syndrome 1 (KLEFS1). Identifiers: Orphanet 261494, MedGen C0795833, MONDO:0027407, OMIM 610253.

Allele frequency attached by ClinVar (database versions not stated): gnomAD exomes below 0.00001; gnomAD 0.00001; TOPMed 0.00001.
gnomAD v4.1: 4 of 1,596,158 alleles (0.00025%); highest among the groups gnomAD compares: East Asian, 0.0045%; no homozygotes.

Submissions (2):

Labcorp Genetics (formerly Invitae), Labcorp
Classification: Uncertain significance for Kleefstra syndrome 1. Last evaluated: 2024-02-22. Review status: criteria provided, single submitter. Criteria: Invitae Variant Classification Sherloc (09022015). Collection method: clinical testing. Allele origin: germline.
Comment: This sequence change replaces aspartic acid, which is acidic and polar, with asparagine, which is neutral and polar, at codon 1284 of the EHMT1 protein (p.Asp1284Asn). This variant is not present in population databases (gnomAD no frequency). This variant has not been reported in the literature in individuals affected with EHMT1-related conditions. ClinVar contains an entry for this variant (Variation ID: 1511202). Advanced modeling of protein sequence and biophysical properties (such as structural, functional, and spatial information, amino acid conservation, physicochemical variation, residue mobility, and thermodynamic stability) performed at Invitae indicates that this missense variant is not expected to disrupt EHMT1 protein function with a negative predictive value of 80%. In summary, the available evidence is currently insufficient to determine the role of this variant in disease. Therefore, it has been classified as a Variant of Uncertain Significance.

Ambry Genetics
Classification: Likely benign for Inborn genetic diseases. Last evaluated: 2017-06-14. Review status: criteria provided, single submitter. Criteria: Ambry Variant Classification Scheme 2023. Collection method: clinical testing. Allele origin: germline.

NM_024757.5(EHMT1):c.3850G>A (p.Asp1284Asn)

Gene: EHMT1 (euchromatic histone lysine methyltransferase 1; plus strand). Cytogenetic location: 9q34.3.
Variant type: single nucleotide variant.
Coding change: c.3850G>A on transcript NM_024757.5 (MANE Select); coding-DNA position 3850, G replaced by A.
Protein change: p.Asp1284Asn; replaces aspartic acid 1284 with asparagine.
Molecular consequence: missense variant.
Genome position (GRCh38, 1-based): chr9:137,834,906, G>A. VCF-style: chr9-137834906-G-A. GRCh37 (hg19) VCF-style: chr9-140729358-G-A.
Other names: c.3829G>A, p.Asp1277Asn (NM_001354263.2); short protein forms D1284N, D1277N.
Identifiers: ClinVar variation 1511202 (VCV001511202.10), dbSNP rs1193875824, ClinGen allele CA375783779.
Genomic context (GRCh38, chr9:137,834,906, plus strand): 5'-CGGCACTCGAGCGCGGCCCTGGCCCAGCGTCAGGCCAGCGCGGCCCAGGAGGCCCAGGAG[G>A]ACGGCTTGCCCGACACCAGCTCCGCGGCTGCCGCCGACCCCCTATGAGACGCCGCCGGCC-3'
Protein context (NP_079033.4, residues 1274-1294): QASAAQEAQE[Asp1284Asn]GLPDTSSAAA